The following is an entry in ClinVar:

NM_003919.3(SGCE):c.107C>T (p.Thr36Ile)

Gene: SGCE (sarcoglycan epsilon; minus strand). Cytogenetic location: 7q21.3.
Variant type: single nucleotide variant.
Coding change: c.107C>T on transcript NM_003919.3 (MANE Select); coding-DNA position 107, C replaced by T.
Protein change: p.Thr36Ile; replaces threonine 36 with isoleucine.
Molecular consequence: missense variant. On other transcripts: 5 prime UTR variant (4).
Genome position (GRCh38, 1-based): chr7:94,655,992, G>A on the plus strand (C>T on the coding strand, the complement: SGCE is on the minus strand). VCF-style: chr7-94655992-G-A. GRCh37 (hg19) VCF-style: chr7-94285304-G-A.
Other names: c.107C>T, p.Thr36Ile (NM_001099400.2, NM_001099401.2, NM_001301139.2 and 4 more transcripts); c.-151C>T (NM_001346719.2); c.-229C>T (NM_001346720.2, NM_001362808.2); c.-157C>T (NM_001362807.2); short protein forms T36I.
Identifiers: ClinVar variation 1516274 (VCV001516274.8), dbSNP rs2117137516, ClinGen allele CA368393545.
Genomic context (GRCh38, chr7:94,655,992, plus strand): 5'-AGGGGGAGGCGGCGGCCTGTTGGCCCCGGGACCTCCACGTCGCGCGCAGGCCACTAACCT[G>A]TCAGCAAGAATGTGCCAGTGGTCGCGGGGCTCATCCTGCGTGTCCCCCGACCCTGTCCCG-3'
Protein context (NP_003910.1, residues 26-46): SPATTGTFLL[Thr36Ile]VYSIFSKVHS

ClinVar aggregate classification (germline): Uncertain significance (1 of 4 stars; one submission).

Conditions:
Myoclonic dystonia 11 (DYT11). Also called: DYT-SGCE; Myoclonic dystonia; Dystonia 11; Dystonia, alcohol responsive; Hereditary essential myoclonus; SGCE Myoclonus-Dystonia. Identifiers: Orphanet 36899, MedGen C1834570, MONDO:0008044, OMIM 159900.

Submission:

Labcorp Genetics (formerly Invitae), Labcorp
Classification: Uncertain significance for Myoclonic dystonia 11. Last evaluated: 2021-03-12. Review status: criteria provided, single submitter. Criteria: Invitae Variant Classification Sherloc (09022015). Collection method: clinical testing. Allele origin: germline.
Comment: In summary, the available evidence is currently insufficient to determine the role of this variant in disease. Therefore, it has been classified as a Variant of Uncertain Significance. Algorithms developed to predict the effect of missense changes on protein structure and function (SIFT, PolyPhen-2, Align-GVGD) all suggest that this variant is likely to be tolerated, but these predictions have not been confirmed by published functional studies and their clinical significance is uncertain. This variant has not been reported in the literature in individuals with SGCE-related conditions. This variant is not present in population databases (ExAC no frequency). This sequence change replaces threonine with isoleucine at codon 36 of the SGCE protein (p.Thr36Ile). The threonine residue is weakly conserved and there is a moderate physicochemical difference between threonine and isoleucine.